The following is an entry in ClinVar:

NM_152564.5(VPS13B):c.6823G>C (p.Asp2275His)

Gene: VPS13B (vacuolar protein sorting 13 homolog B; plus strand). Cytogenetic location: 8q22.2.
Variant type: single nucleotide variant.
Coding change: c.6823G>C on transcript NM_152564.5 (MANE Select); coding-DNA position 6823, G replaced by C.
Protein change: p.Asp2275His; replaces aspartic acid 2275 with histidine.
Molecular consequence: missense variant.
Genome position (GRCh38, 1-based): chr8:99,720,510, G>C. VCF-style: chr8-99720510-G-C. GRCh37 (hg19) VCF-style: chr8-100732738-G-C.
Other names: c.6898G>C, p.Asp2300His (NM_017890.5); short protein forms D2275H, D2300H.
Identifiers: ClinVar variation 1405678 (VCV001405678.8), dbSNP rs1833091516, ClinGen allele CA371867891.

ClinVar aggregate classification (germline): Uncertain significance (1 of 4 stars; one submission).

Conditions:
Cohen syndrome (COH1). Also called: PEPPER SYNDROME; Cutis verticis gyrata, retinitis pigmentosa, and sensorineural deafness. Identifiers: Orphanet 193, MedGen C0265223, MONDO:0008999, OMIM 216550.

Allele frequency attached by ClinVar (database versions not stated): gnomAD 0.00001.
gnomAD v4.1: 1 of 1,613,908 alleles (0.000062%); highest among the groups gnomAD compares: African/African-American, 0.0013%; no homozygotes.

Submission:

Labcorp Genetics (formerly Invitae), Labcorp
Classification: Uncertain significance for Cohen syndrome. Last evaluated: 2022-03-10. Review status: criteria provided, single submitter. Criteria: Invitae Variant Classification Sherloc (09022015). Collection method: clinical testing. Allele origin: germline.
Comment: This variant is not present in population databases (gnomAD no frequency). This sequence change replaces aspartic acid with histidine at codon 2300 of the VPS13B protein (p.Asp2300His). The aspartic acid residue is moderately conserved and there is a moderate physicochemical difference between aspartic acid and histidine. This variant has not been reported in the literature in individuals affected with VPS13B-related conditions. In summary, the available evidence is currently insufficient to determine the role of this variant in disease. Therefore, it has been classified as a Variant of Uncertain Significance. Algorithms developed to predict the effect of missense changes on protein structure and function are either unavailable or do not agree on the potential impact of this missense change (SIFT: "Not Available"; PolyPhen-2: "Benign"; Align-GVGD: "Not Available").